The following is an entry in ClinVar:

NC_000009.11:g.(?_140657107)_(140777355_?)dup

Genes: CACNA1B (calcium voltage-gated channel subunit alpha1 B; plus strand), EHMT1 (euchromatic histone lysine methyltransferase 1; plus strand), LOC651337 (uncharacterized LOC651337; minus strand). Cytogenetic location: 9q34.3.
Variant type: Duplication.
Identifiers: ClinVar variation 3245173 (VCV003245173.1).

ClinVar aggregate classification (germline): Uncertain significance (1 of 4 stars; one submission).

Conditions:
Kleefstra syndrome 1 (KLEFS1). Identifiers: Orphanet 261494, MedGen C0795833, MONDO:0027407, OMIM 610253.

Submission:

Labcorp Genetics (formerly Invitae), Labcorp
Classification: Uncertain significance for Kleefstra syndrome 1. Last evaluated: 2023-10-13. Review status: criteria provided, single submitter. Criteria: Invitae Variant Classification Sherloc (09022015). Collection method: clinical testing. Allele origin: unknown.
Comment: This variant results in a copy number gain of the genomic region encompassing exon(s) 10-27 of the EHMT1 gene. This region includes the termination codon of the gene. This copy number gain extends beyond the assayed region for this gene and therefore may encompass additional genes. As the precise location of this event is unknown, it may be in tandem or it may be located elsewhere in the genome. This variant has not been reported in the literature in individuals affected with EHMT1-related conditions. In summary, the available evidence is currently insufficient to determine the role of this variant in disease. Therefore, it has been classified as a Variant of Uncertain Significance.